The following is an entry in ClinVar:

ClinVar aggregate classification (germline): Likely pathogenic (1 of 4 stars; one submission).

Conditions:
Neurodevelopmental disorder with hypotonia, brain anomalies, distinctive facies, and absent language. Also called: RNU4-2-Related Neurodevelopmental Disorder; RNU4-2–Related Autosomal Dominant Neurodevelopmental Disorder; ReNU SYNDROME. Identifiers: Orphanet 686488, MedGen C5935628, MONDO:0971172, OMIM 620851.

Submission:

Institute for Human Genetics, University Hospital Essen
Classification: Likely pathogenic for Neurodevelopmental disorder with hypotonia, brain anomalies, distinctive facies, and absent language. Last evaluated: 2005-03-05. Review status: criteria provided, single submitter. Criteria: ACMG Guidelines, 2015. Collection method: clinical testing. Allele origin: de novo. Inheritance: Autosomal dominant inheritance. Affected: yes.
Comment: PM2_supp, PS2, PM1

NR_003137.3(RNU4-2):n.63T>C

Genes: RNU4-2 (RNA, U4 small nuclear 2; minus strand), SIRT4 (sirtuin 4; plus strand). Cytogenetic location: 12q24.23.
Variant type: single nucleotide variant.
Molecular consequence: non-coding transcript variant (on NR_003137.3).
Genome position: GRCh38 VCF-style: chr12-120291841-A-G. GRCh37 (hg19) VCF-style: chr12-120729644-A-G.
Identifiers: ClinVar variation 3766434 (VCV003766434.1).